The following is an entry in ClinVar:

ClinVar aggregate classification (germline): Conflicting classifications of pathogenicity. Review status: criteria provided, conflicting classifications (1 of 4 stars). 9 submissions from 9 submitters: Pathogenic (5); Likely pathogenic (1); Uncertain significance (3). Last evaluated 2026-01-09.

Conditions:
DCX-related disorder. Also called: DCX-Related Disorders; DCX-related condition. Identifiers: MedGen CN381525.
Lissencephaly type 1 due to doublecortin gene mutation. Also called: LISSENCEPHALY, X-LINKED, 1; LISSENCEPHALY AND AGENESIS OF CORPUS CALLOSUM. Identifiers: Orphanet 2148, MedGen C4551968, MONDO:0010239, OMIM 300067.
Ectopic tissue. Also called: Heterotopia. Identifiers: MedGen C0008519.

Submissions (9):

3billion
Classification: Pathogenic for Lissencephaly type 1 due to doublecortin gene mutation. Last evaluated: 2026-01-09. Review status: criteria provided, single submitter. Criteria: ACMG Guidelines, 2015. Collection method: clinical testing. Allele origin: germline. Affected: yes.
Comment: The variant is not observed in the gnomAD v4.1.0 dataset. Predicted Consequence/Location: Missense variant In silico tool predictions suggest damaging effect of the variant on gene or gene product [REVEL: 0.91 (>=0.6, sensitivity 0.68 and specificity 0.92); 3Cnet: 0.99 (> 0.75, sensitivity 0.96 and precision 0.92)]. The same nucleotide change resulting in the same amino acid change has been previously reported as pathogenic/likely pathogenic with strong evidence (ClinVar ID: VCV000158496 /PMID: 32570172 /3billion dataset). The variant has been previously reported as assumed (i.e. paternity and maternity not confirmed) de novo in at least one similarly affected unrelated individual (PMID: 32570172). Different missense changes at the same codon (p.Gly223Glu, p.Gly223Val) have been reported to be associated with DCX-related disorder (PMID: 11175293, 9618162). Therefore, this variant is classified as Pathogenic according to the recommendation of ACMG/AMP guideline.

Institute of Human Genetics, University of Leipzig Medical Center
Classification: Pathogenic for Lissencephaly type 1 due to doublecortin gene mutation. Last evaluated: 2025-11-07. Review status: criteria provided, single submitter. Criteria: ACMG Guidelines, 2015. Collection method: clinical testing. Allele origin: maternal. Inheritance: X-linked dominant inheritance. Affected: yes.
Comment: Criteria applied: PS2,PS4_MOD,PM2,PM5,PS1_SUP,PP3

Labcorp Genetics (formerly Invitae), Labcorp
Classification: Pathogenic. Last evaluated: 2023-12-05. Review status: criteria provided, single submitter. Criteria: Invitae Variant Classification Sherloc (09022015). Collection method: clinical testing. Allele origin: germline.
Comment: This sequence change replaces glycine, which is neutral and non-polar, with arginine, which is basic and polar, at codon 223 of the DCX protein (p.Gly223Arg). This variant is not present in population databases (gnomAD no frequency). This missense change has been observed in individual(s) with lissencephaly and subcortical band heterotopia (PMID: 31069529, 32570172, 34145886). In at least one individual the variant was observed to be de novo. This variant is also known as c.910G>A, p.Gly304Arg . ClinVar contains an entry for this variant (Variation ID: 158496). Advanced modeling of protein sequence and biophysical properties (such as structural, functional, and spatial information, amino acid conservation, physicochemical variation, residue mobility, and thermodynamic stability) performed at Invitae indicates that this missense variant is expected to disrupt DCX protein function with a positive predictive value of 80%. This variant disrupts the p.Gly223 amino acid residue in DCX. Other variant(s) that disrupt this residue have been observed in individuals with DCX-related conditions (PMID: 9618162, 11175293), which suggests that this may be a clinically significant amino acid residue. For these reasons, this variant has been classified as Pathogenic.

Institute for Clinical Genetics, University Hospital TU Dresden, University Hospital TU Dresden
Classification: Pathogenic. Last evaluated: 2022-05-10. Review status: criteria provided, single submitter. Criteria: ACMG Guidelines, 2015. Collection method: clinical testing. Allele origin: de novo.
Comment: PS1, PS2, PM1, PM2_SUP

Blueprint Genetics
Classification: Likely pathogenic for DCX-related disorders. Last evaluated: 2021-02-16. Review status: criteria provided, single submitter. Criteria: ACMG Guidelines, 2015. Collection method: clinical testing. Allele origin: germline. Affected: yes. Observed: 1 variant allele.

Revvity Omics, Revvity
Classification: Uncertain significance for Lissencephaly type 1 due to doublecortin gene mutation. Last evaluated: 2020-03-17. Review status: criteria provided, single submitter. Criteria: ACMG Guidelines, 2015. Collection method: clinical testing. Allele origin: germline.

CeGaT Center for Human Genetics Tuebingen
Classification: Uncertain significance. Last evaluated: 2019-05-01. Review status: criteria provided, single submitter. Criteria: CeGaT Center For Human Genetics Tuebingen Variant Classification Criteria Version 2. Collection method: clinical testing. Allele origin: germline. Affected: yes. Observed: 1 variant allele.

Genetic Services Laboratory, University of Chicago
Classification: Pathogenic for Abnormality of neuronal migration. Last evaluated: 2014-07-07. Review status: criteria provided, single submitter. Criteria: ACMG Guidelines, 2015. Collection method: clinical testing. Allele origin: germline. Inheritance: Autosomal dominant inheritance. Affected: yes.

Juno Genomics, Hangzhou Juno Genomics, Inc
Classification: Uncertain significance for Lissencephaly type 1 due to doublecortin gene mutation. Review status: criteria provided, single submitter. Criteria: ACMG Guidelines, 2015. Collection method: clinical testing. Allele origin: germline. Affected: yes.
Comment: Absent from controls (or at extremely low frequency if recessive) in Genome Aggregation Database, Exome Sequencing Project, 1000 Genomes Project, or Exome Aggregation Consortium.;Patient's phenotype or family history is highly specific for a disease with a single genetic etiology.;Multiple lines of computational evidence support a deleterious effect on the gene or gene product (conservation, evolutionary, splicing impact, etc).;The prevalence of the variant in affected individuals is significantly increased compared to the prevalence in controls.

Literature cited by the submitters: PubMed 32570172 (cited by 3billion and Labcorp Genetics (formerly Invitae), Labcorp); PubMed 11175293 (cited by 3billion and Labcorp Genetics (formerly Invitae), Labcorp); PubMed 31069529 (cited by Labcorp Genetics (formerly Invitae), Labcorp); PubMed 34145886 (cited by Labcorp Genetics (formerly Invitae), Labcorp); PubMed 9618162 (cited by Labcorp Genetics (formerly Invitae), Labcorp).

NM_001195553.2(DCX):c.667G>A (p.Gly223Arg)

Gene: DCX (doublecortin; minus strand). Cytogenetic location: Xq23.
Variant type: single nucleotide variant.
Coding change: c.667G>A on transcript NM_001195553.2 (MANE Select); coding-DNA position 667, G replaced by A.
Protein change: p.Gly223Arg; replaces glycine 223 with arginine.
Molecular consequence: missense variant.
Genome position (GRCh38, 1-based): chrX:111,401,028, C>T on the plus strand (G>A on the coding strand, the complement: DCX is on the minus strand). VCF-style: chrX-111401028-C-T. GRCh37 (hg19) VCF-style: chrX-110644256-C-T.
Other names: c.667G>A (NM_178153.2); c.910G>A, p.Gly304Arg (NM_000555.3); c.667G>A, p.Gly223Arg (NM_001369370.1, NM_001369371.1, NM_001369372.1 and 5 more transcripts); short protein forms G223R, G304R.
Identifiers: ClinVar variation 158496 (VCV000158496.59), dbSNP rs587783577, ClinGen allele CA172046.